The following is an entry in ClinVar:

ClinVar aggregate classification (germline): Uncertain significance (1 of 4 stars; one submission).

Submission:

Labcorp Genetics (formerly Invitae), Labcorp
Classification: Uncertain significance. Last evaluated: 2022-02-21. Review status: criteria provided, single submitter. Criteria: Invitae Variant Classification Sherloc (09022015). Collection method: clinical testing. Allele origin: germline.
Comment: In summary, the available evidence is currently insufficient to determine the role of this variant in disease. Therefore, it has been classified as a Variant of Uncertain Significance. This sequence change replaces lysine, which is basic and polar, with asparagine, which is neutral and polar, at codon 979 of the MYO6 protein (p.Lys979Asn). This variant is not present in population databases (gnomAD no frequency). This variant has not been reported in the literature in individuals affected with MYO6-related conditions. Algorithms developed to predict the effect of missense changes on protein structure and function are either unavailable or do not agree on the potential impact of this missense change (SIFT: "Tolerated"; PolyPhen-2: "Possibly Damaging"; Align-GVGD: "Class C0").

NM_004999.4(MYO6):c.2937A>C (p.Lys979Asn)

Gene: MYO6 (myosin VI; plus strand). Cytogenetic location: 6q14.1.
Variant type: single nucleotide variant.
Coding change: c.2937A>C on transcript NM_004999.4 (MANE Select); coding-DNA position 2937, A replaced by C.
Protein change: p.Lys979Asn; replaces lysine 979 with asparagine.
Molecular consequence: missense variant. On other transcripts: non-coding transcript variant (1).
Genome position (GRCh38, 1-based): chr6:75,891,297, A>C. VCF-style: chr6-75891297-A-C. GRCh37 (hg19) VCF-style: chr6-76601014-A-C.
Other names: c.2937A>C, p.Lys979Asn (NM_001300899.2, NM_001368136.1, NM_001368137.1 and 2 more transcripts); c.2922A>C, p.Lys974Asn (NM_001368138.1); short protein forms K979N, K974N.
Identifiers: ClinVar variation 2095999 (VCV002095999.4), dbSNP rs2535600875, ClinGen allele CA364777708.